The following is an entry in ClinVar:

NM_004958.4(MTOR):c.2332G>T (p.Ala778Ser)

Gene: MTOR (mechanistic target of rapamycin kinase; minus strand). Cytogenetic location: 1p36.22.
Variant type: single nucleotide variant.
Coding change: c.2332G>T on transcript NM_004958.4 (MANE Select); coding-DNA position 2332, G replaced by T.
Protein change: p.Ala778Ser; replaces alanine 778 with serine.
Molecular consequence: missense variant.
Genome position (GRCh38, 1-based): chr1:11,233,487, C>A on the plus strand (G>T on the coding strand, the complement: MTOR is on the minus strand). VCF-style: chr1-11233487-C-A. GRCh37 (hg19) VCF-style: chr1-11293544-C-A.
Other names: c.2332G>T, p.Ala778Ser (NM_001386500.1); c.1084G>T, p.Ala362Ser (NM_001386501.1); short protein forms A362S, A778S.
Identifiers: ClinVar variation 1401985 (VCV001401985.8), dbSNP rs2100878601, ClinGen allele CA338384503.

ClinVar aggregate classification (germline): Uncertain significance (1 of 4 stars; one submission).

Submission:

Labcorp Genetics (formerly Invitae), Labcorp
Classification: Uncertain significance. Last evaluated: 2021-06-19. Review status: criteria provided, single submitter. Criteria: Invitae Variant Classification Sherloc (09022015). Collection method: clinical testing. Allele origin: germline.
Comment: Algorithms developed to predict the effect of sequence changes on RNA splicing suggest that this variant may disrupt the consensus splice site, but this prediction has not been confirmed by published transcriptional studies. Algorithms developed to predict the effect of missense changes on protein structure and function are either unavailable or do not agree on the potential impact of this missense change (SIFT: "Deleterious"; PolyPhen-2: "Benign"; Align-GVGD: "Class C15"). This variant has not been reported in the literature in individuals with MTOR-related conditions. This variant is not present in population databases (ExAC no frequency). This sequence change replaces alanine with serine at codon 778 of the MTOR protein (p.Ala778Ser). The alanine residue is highly conserved and there is a moderate physicochemical difference between alanine and serine. In summary, the available evidence is currently insufficient to determine the role of this variant in disease. Therefore, it has been classified as a Variant of Uncertain Significance.